The following is an entry in ClinVar:

NM_001199753.2(CPT1C):c.52G>A (p.Gly18Arg)

Gene: CPT1C (carnitine palmitoyltransferase 1C; plus strand). Cytogenetic location: 19q13.33.
Variant type: single nucleotide variant.
Coding change: c.52G>A on transcript NM_001199753.2 (MANE Select); coding-DNA position 52, G replaced by A.
Protein change: p.Gly18Arg; replaces glycine 18 with arginine.
Molecular consequence: missense variant. On other transcripts: non-coding transcript variant (1).
Genome position (GRCh38, 1-based): chr19:49,692,304, G>A. VCF-style: chr19-49692304-G-A. GRCh37 (hg19) VCF-style: chr19-50195561-G-A.
Other names: c.52G>A, p.Gly18Arg (NM_001136052.3, NM_001199752.3, NM_001378482.1 and 7 more transcripts); short protein forms G18R.
Identifiers: ClinVar variation 4736179 (VCV004736179.1).

ClinVar aggregate classification (germline): Uncertain significance (1 of 4 stars; one submission).

Conditions:
Hereditary spastic paraplegia 73. Also called: Spastic paraplegia 73, autosomal dominant. Identifiers: Orphanet 444099, MedGen C5568981, MONDO:0014568, OMIM 616282.

gnomAD v4.1: 8 of 1,614,114 alleles (0.0005%); highest among the groups gnomAD compares: South Asian, 0.0011%; no homozygotes.

Submission:

Labcorp Genetics (formerly Invitae), Labcorp
Classification: Uncertain significance for Hereditary spastic paraplegia 73. Last evaluated: 2025-04-26. Review status: criteria provided, single submitter. Criteria: Invitae Variant Classification Sherloc (09022015). Collection method: clinical testing. Allele origin: germline.
Comment: This sequence change replaces glycine, which is neutral and non-polar, with arginine, which is basic and polar, at codon 18 of the CPT1C protein (p.Gly18Arg). This variant is present in population databases (no rsID available, gnomAD 0.003%). This variant has not been reported in the literature in individuals affected with CPT1C-related conditions. An algorithm developed to predict the effect of missense changes on protein structure and function outputs the following: PolyPhen-2: "Benign". The arginine amino acid residue is found in multiple mammalian species, which suggests that this missense change does not adversely affect protein function. In summary, the available evidence is currently insufficient to determine the role of this variant in disease. Therefore, it has been classified as a Variant of Uncertain Significance.